The following is an entry in ClinVar:

ClinVar aggregate classification (germline): Uncertain significance (1 of 4 stars; one submission).

Conditions:
Myofibrillar myopathy 4. Also called: Zaspopathy (type). Identifiers: Orphanet 98912, MedGen C4721886, MONDO:0012277, OMIM 609452.

Allele frequency attached by ClinVar (database versions not stated): ExAC 0.00001; gnomAD 0.00001 and 0.00002; gnomAD exomes 0.00001; TOPMed 0.00002.
gnomAD v4.1: 10 of 1,613,770 alleles (0.00062%); highest among the groups gnomAD compares: Admixed American, 0.005%; no homozygotes.

Submission:

Labcorp Genetics (formerly Invitae), Labcorp
Classification: Uncertain significance for Myofibrillar myopathy 4. Last evaluated: 2025-10-22. Review status: criteria provided, single submitter. Criteria: Invitae Variant Classification Sherloc (09022015). Collection method: clinical testing. Allele origin: germline.
Comment: The LDB3 gene has multiple clinically relevant transcripts. This variant occurs in alternate transcript NM_007078.3, and corresponds to NM_001080116.1:c.*33541C>T in the primary transcript. This sequence change replaces proline, which is neutral and non-polar, with leucine, which is neutral and non-polar, at codon 708 of the LDB3 protein (p.Pro708Leu). This variant is present in population databases (rs774815578, gnomAD 0.004%). This missense change has been observed in individual(s) with hypertrophic cardiomyopathy (PMID: 34598319). Experimental studies and prediction algorithms are not available or were not evaluated, and the functional significance of this variant is currently unknown. In summary, the available evidence is currently insufficient to determine the role of this variant in disease. Therefore, it has been classified as a Variant of Uncertain Significance.

Literature cited by the submitters: PubMed 34598319.

NM_007078.3(LDB3):c.2123C>T (p.Pro708Leu)

Gene: LDB3 (LIM domain binding 3; plus strand). Cytogenetic location: 10q23.2.
Variant type: single nucleotide variant.
Coding change: c.2123C>T on transcript NM_007078.3 (MANE Select); coding-DNA position 2123, C replaced by T.
Protein change: p.Pro708Leu; replaces proline 708 with leucine.
Molecular consequence: missense variant.
Genome position (GRCh38, 1-based): chr10:86,732,915, C>T. VCF-style: chr10-86732915-C-T. GRCh37 (hg19) VCF-style: chr10-88492672-C-T.
Other names: c.2123C>T (LRG_385t1); c.1793C>T, p.Pro598Leu (NM_001080114.2); c.2138C>T, p.Pro713Leu (NM_001171610.2); c.1934C>T, p.Pro645Leu (NM_001368064.1, NM_001368065.1); c.1982C>T, p.Pro661Leu (NM_001368066.1); short protein forms P708L, P598L, P661L, P645L, P713L.
Identifiers: ClinVar variation 571805 (VCV000571805.10), dbSNP rs774815578, ClinGen allele CA5585362.